The following is an entry in ClinVar:

ClinVar aggregate classification (germline): Pathogenic (1 of 4 stars; one submission).

Conditions:
Recombinant 8 syndrome. Also called: CHROMOSOME 8q22.1-qter DUPLICATION AND 8pter-p23.1 DELETION; REC8 SYNDROME; SAN LUIS VALLEY SYNDROME. Identifiers: Orphanet 96167, MedGen C0795822, MONDO:0008365, OMIM 179613.

Submission:

Institute for Genomic Medicine, Nationwide Children's Hospital
Classification: Pathogenic for Recombinant 8 syndrome. Last evaluated: 2024-11-11. Review status: criteria provided, single submitter. Criteria: ACMG/ClinGen CNV Guidelines, 2019. Collection method: research. Allele origin: de novo. Inheritance: Autosomal dominant inheritance. Affected: yes. Observed: 1 heterozygote.
Comment: Although smaller than typical 8p deletions associated with this syndrome, several similar and smaller deletions are reported in this region as pathogenic. We interpret this variant as Pathogenic.

Single allele

Genes: MCPH1 (microcephalin 1; plus strand), MCPH1-AS1 (MCPH1 antisense RNA 1; minus strand), MCPH1-DT (MCPH1 divergent transcript; minus strand), MIR3674 (microRNA 3674; plus strand), MIR4659A (microRNA 4659a; plus strand) and 177 more. Cytogenetic location: 8p23.3-23.1.
Variant type: Deletion.
Identifiers: ClinVar variation 3384213 (VCV003384213.2).